The following is an entry in ClinVar:

ClinVar aggregate classification (germline): Pathogenic (1 of 4 stars; one submission).

Conditions:
Hereditary diffuse gastric adenocarcinoma (HDGC). Also called: DIFFUSE GASTRIC AND LOBULAR BREAST CANCER SYNDROME. Identifiers: Orphanet 26106, MedGen C1708349, MONDO:0007648, OMIM 137215.

Submission:

Labcorp Genetics (formerly Invitae), Labcorp
Classification: Pathogenic for Hereditary diffuse gastric adenocarcinoma. Last evaluated: 2020-08-10. Review status: criteria provided, single submitter. Criteria: Invitae Variant Classification Sherloc (09022015). Collection method: clinical testing. Allele origin: germline.
Comment: This sequence change creates a premature translational stop signal (p.Gln641Serfs*22) in the CDH1 gene. It is expected to result in an absent or disrupted protein product. This variant is not present in population databases (ExAC no frequency). This variant has not been reported in the literature in individuals with CDH1-related conditions. Loss-of-function variants in CDH1 are known to be pathogenic (PMID: 15235021, 20373070). For these reasons, this variant has been classified as Pathogenic.

Literature cited by the submitters: PubMed 15235021; PubMed 20373070.

NM_004360.5(CDH1):c.1920dup (p.Gln641fs)

Gene: CDH1 (cadherin 1; plus strand). Cytogenetic location: 16q22.1.
Variant type: Duplication.
Coding change: c.1920dup on transcript NM_004360.5 (MANE Select); coding-DNA position 1920, one base duplicated (T; older notation c.1920dupT).
Protein change: p.Gln641fs; shifts the reading frame from glutamine 641.
Molecular consequence: frameshift variant. On other transcripts: 5 prime UTR variant (1).
Genome position (GRCh38, 1-based): chr16:68,822,209, T duplicated; the last of 2 consecutive T bases (chr16:68,822,208-68,822,209); duplicating either gives the same sequence. VCF-style (leftmost placement, unchanged base first): chr16-68822207-A-AT. GRCh37 (hg19) VCF-style: chr16-68856110-A-AT.
Other names: c.1737dup, p.Gln580fs (NM_001317184.2); c.372dup, p.Gln125fs (NM_001317185.2); c.-46dup (NM_001317186.2); short protein forms Q125fs, Q580fs, Q641fs.
Identifiers: ClinVar variation 1069973 (VCV001069973.7), dbSNP rs2152138595, ClinGen allele CA2499223669.